The following is an entry in ClinVar:

ClinVar aggregate classification (germline): Uncertain significance (1 of 4 stars; one submission).

Conditions:
DICER1-related tumor predisposition. Also called: DICER1-related pleuropulmonary blastoma cancer predisposition syndrome; DICER1 syndrome. Identifiers: Orphanet 284343, MedGen C3839822, MONDO:0100216.

Submission:

Labcorp Genetics (formerly Invitae), Labcorp
Classification: Uncertain significance for DICER1-related tumor predisposition. Last evaluated: 2025-12-20. Review status: criteria provided, single submitter. Criteria: Invitae Variant Classification Sherloc (09022015). Collection method: clinical testing. Allele origin: germline.
Comment: This sequence change replaces lysine, which is basic and polar, with glutamic acid, which is acidic and polar, at codon 388 of the DICER1 protein (p.Lys388Glu). This variant is not present in population databases (gnomAD no frequency). This variant has not been reported in the literature in individuals affected with DICER1-related conditions. ClinVar contains an entry for this variant (Variation ID: 543636). Invitae Evidence Modeling of protein sequence and biophysical properties (such as structural, functional, and spatial information, amino acid conservation, physicochemical variation, residue mobility, and thermodynamic stability) has been performed for this missense variant. However, the output from this modeling did not meet the statistical confidence thresholds required to predict the impact of this variant on DICER1 protein function. In summary, the available evidence is currently insufficient to determine the role of this variant in disease. Therefore, it has been classified as a Variant of Uncertain Significance.

NM_177438.3(DICER1):c.1162A>G (p.Lys388Glu)

Gene: DICER1 (dicer 1, ribonuclease III; minus strand). Cytogenetic location: 14q32.13.
Variant type: single nucleotide variant.
Coding change: c.1162A>G on transcript NM_177438.3 (MANE Select); coding-DNA position 1162, A replaced by G.
Protein change: p.Lys388Glu; replaces lysine 388 with glutamic acid.
Molecular consequence: missense variant.
Genome position (GRCh38, 1-based): chr14:95,124,410, T>C on the plus strand (A>G on the coding strand, the complement: DICER1 is on the minus strand). VCF-style: chr14-95124410-T-C. GRCh37 (hg19) VCF-style: chr14-95590747-T-C.
Other names: c.1162A>G, p.Lys388Glu (NM_001195573.1, NM_001271282.3, NM_001291628.2 and 1 more transcripts); short protein forms K388E.
Identifiers: ClinVar variation 543636 (VCV000543636.10), dbSNP rs1555374717, ClinGen allele CA390886828.